The following is an entry in ClinVar:

ClinVar aggregate classification (germline): Pathogenic (1 of 4 stars; one submission).

Conditions:
Spastic Paraglegia 10.

Submission:

Women's Health and Genetics/Laboratory Corporation of America, LabCorp
Classification: Pathogenic for Spastic Paraglegia 10. Last evaluated: 2025-12-08. Review status: criteria provided, single submitter. Criteria: LabCorp Variant Classification Summary - May 2015. Collection method: clinical testing. Allele origin: germline.
Comment: Variant summary: KIF5A c.1550_1554delATGAG (p.Asp517AlafsX14) results in a premature termination codon, predicted to cause absence of the protein due to nonsense mediated decay, which is a commonly known mechanism for disease. The variant was absent in 223120 control chromosomes. To our knowledge, no occurrence of c.1550_1554delATGAG in individuals affected with KIF5A-related conditions and no experimental evidence demonstrating its impact on protein function have been reported. No submitters have cited clinical-significance assessments for this variant to ClinVar. Based on the evidence outlined above, the variant was classified as pathogenic.

NM_004984.4(KIF5A):c.1550_1554del (p.Asp517fs)

Gene: KIF5A (kinesin family member 5A; plus strand). Cytogenetic location: 12q13.3.
Variant type: Deletion.
Coding change: c.1550_1554del on transcript NM_004984.4 (MANE Select); coding-DNA positions 1550 to 1554, 5 bases deleted (ATGAG; older notation c.1550_1554delATGAG).
Protein change: p.Asp517fs; shifts the reading frame from aspartic acid 517.
Molecular consequence: frameshift variant.
Genome position (GRCh38, 1-based): chr12:57,572,248-57,572,252, ATGAG deleted; deleting any 5 consecutive bases within chr12:57,572,247-57,572,252 gives the same sequence; the c. name uses the placement nearest the transcript's 3' end. VCF-style (leftmost placement, unchanged base first): chr12-57572246-GGATGA-G. GRCh37 (hg19) VCF-style: chr12-57966029-GGATGA-G.
Other names: c.1283_1287del, p.Asp428fs (NM_001354705.2); c.1550_1554delATGAG (NM_004984.4); short protein forms D428fs, D517fs.
Identifiers: ClinVar variation 4688489 (VCV004688489.1).